The following is an entry in ClinVar:

ClinVar aggregate classification (germline): Uncertain significance. Review status: criteria provided, multiple submitters, no conflicts (2 of 4 stars). 2 submissions from 2 submitters: Uncertain significance (2). Last evaluated 2024-02-22.

Conditions:
Inborn genetic diseases. Identifiers: MedGen C0950123, MeSH D030342.

Submissions (2):

Labcorp Genetics (formerly Invitae), Labcorp
Classification: Uncertain significance. Last evaluated: 2024-02-22. Review status: criteria provided, single submitter. Criteria: Invitae Variant Classification Sherloc (09022015). Collection method: clinical testing. Allele origin: germline.
Comment: This sequence change replaces proline, which is neutral and non-polar, with alanine, which is neutral and non-polar, at codon 28 of the PPOX protein (p.Pro28Ala). This variant is present in population databases (rs758987522, gnomAD 0.006%). This variant has not been reported in the literature in individuals affected with PPOX-related conditions. ClinVar contains an entry for this variant (Variation ID: 2382026). Advanced modeling of protein sequence and biophysical properties (such as structural, functional, and spatial information, amino acid conservation, physicochemical variation, residue mobility, and thermodynamic stability) performed at Invitae indicates that this missense variant is not expected to disrupt PPOX protein function with a negative predictive value of 80%. In summary, the available evidence is currently insufficient to determine the role of this variant in disease. Therefore, it has been classified as a Variant of Uncertain Significance.

Ambry Genetics
Classification: Uncertain significance for Inborn genetic diseases. Last evaluated: 2021-12-07. Review status: criteria provided, single submitter. Criteria: Ambry Variant Classification Scheme 2023. Collection method: clinical testing. Allele origin: germline.

NM_001122764.3(PPOX):c.82C>G (p.Pro28Ala)

Gene: PPOX (protoporphyrinogen oxidase; plus strand). Cytogenetic location: 1q23.3.
Variant type: single nucleotide variant.
Coding change: c.82C>G on transcript NM_001122764.3 (MANE Select); coding-DNA position 82, C replaced by G.
Protein change: p.Pro28Ala; replaces proline 28 with alanine.
Molecular consequence: missense variant. On other transcripts: 5 prime UTR variant (5).
Genome position (GRCh38, 1-based): chr1:161,166,929, C>G. VCF-style: chr1-161166929-C-G. GRCh37 (hg19) VCF-style: chr1-161136719-C-G.
Other names: c.82C>G, p.Pro28Ala (NM_000309.5, NM_001350128.2, NM_001365398.1 and 1 more transcripts); c.-346C>G (NM_001350129.2); c.-437C>G (NM_001350130.2); c.-323C>G (NM_001350131.2); c.-230C>G (NM_001365400.1); c.-289C>G (NM_001365401.1); short protein forms P28A.
Identifiers: ClinVar variation 2382026 (VCV002382026.5), dbSNP rs758987522, ClinGen allele CA1207019.